The following is an entry in ClinVar:

NM_001387430.1(SH2B1):c.2187G>T (p.Val729=)

Gene: SH2B1 (SH2B adaptor protein 1; plus strand). Cytogenetic location: 16p11.2.
Variant type: single nucleotide variant.
Coding change: c.2187G>T on transcript NM_001387430.1 (MANE Select); coding-DNA position 2187, G replaced by T.
Protein change: p.Val729=; no amino-acid change (valine 729 retained).
Molecular consequence: synonymous variant. On other transcripts: 3 prime UTR variant (5).
Genome position (GRCh38, 1-based): chr16:28,873,736, G>T. VCF-style: chr16-28873736-G-T. GRCh37 (hg19) VCF-style: chr16-28885057-G-T.
Other names: c.2187G>T, p.Val729= (NM_001145795.2, NM_001308293.2, NM_001387404.1); c.*271G>T (NM_001145796.2, NM_001145812.2, NM_001308294.2 and 1 more transcripts); c.*288G>T (NM_001145797.2).
Identifiers: ClinVar variation 777000 (VCV000777000.13), dbSNP rs28698920, ClinGen allele CA7986449.

ClinVar aggregate classification (germline): Benign. Review status: criteria provided, multiple submitters, no conflicts (2 of 4 stars). 3 submissions from 3 submitters: Benign (2). 1 of the submissions does not count toward it. Last evaluated 2026-01-27.

Conditions:
SH2B1-related disorder. Also called: SH2B1-related condition.

Allele frequency attached by ClinVar (database versions not stated): gnomAD exomes 0.00321; ExAC 0.00946; gnomAD 0.01078 and 0.01158; TOPMed 0.01251; 1000 Genomes Project 0.01338; 1000 Genomes Project 30x 0.01405.
gnomAD v4.1: 2,989 of 1,486,876 alleles (0.2%); highest among the groups gnomAD compares: African/African-American, 3.7%; 50 homozygotes.

Submissions (3):

Labcorp Genetics (formerly Invitae), Labcorp
Classification: Benign. Last evaluated: 2026-01-27. Review status: criteria provided, single submitter. Criteria: Invitae Variant Classification Sherloc (09022015). Collection method: clinical testing. Allele origin: germline.

Breakthrough Genomics
Classification: Benign. Review status: criteria provided, single submitter. Criteria: ACMG Guidelines, 2015. Collection method: not provided. Allele origin: germline. Inheritance: Unknown mechanism. Affected: yes.

PreventionGenetics, part of Exact Sciences
Classification: Benign for SH2B1-related condition. Last evaluated: 2019-08-23. Review status: no assertion criteria provided. Collection method: clinical testing. Allele origin: germline. Not counted in ClinVar's aggregate classification.
Comment: This variant is classified as benign based on ACMG/AMP sequence variant interpretation guidelines (Richards et al. 2015 PMID: 25741868, with internal and published modifications).